The following is an entry in ClinVar:

NM_000256.3(MYBPC3):c.1654G>T (p.Ala552Ser)

Gene: MYBPC3 (myosin binding protein C3; minus strand). Cytogenetic location: 11p11.2.
Variant type: single nucleotide variant.
Coding change: c.1654G>T on transcript NM_000256.3 (MANE Select); coding-DNA position 1654, G replaced by T.
Protein change: p.Ala552Ser; replaces alanine 552 with serine.
Molecular consequence: missense variant.
Genome position (GRCh38, 1-based): chr11:47,342,127, C>A on the plus strand (G>T on the coding strand, the complement: MYBPC3 is on the minus strand). VCF-style: chr11-47342127-C-A. GRCh37 (hg19) VCF-style: chr11-47363678-C-A.
Other names: p.A552S:GCA>TCA; short protein forms A552S.
Identifiers: ClinVar variation 179473 (VCV000179473.7), dbSNP rs727504887, ClinGen allele CA010861.

ClinVar aggregate classification (germline): Conflicting classifications of pathogenicity. Review status: criteria provided, conflicting classifications (1 of 4 stars). 3 submissions from 3 submitters: Likely pathogenic (1); Uncertain significance (2). Last evaluated 2025-08-12.

Conditions:
Cardiovascular phenotype. Identifiers: MedGen CN230736.

Allele frequency attached by ClinVar (database versions not stated): TOPMed below 0.00001.

Submissions (3):

Ambry Genetics
Classification: Uncertain significance for Cardiovascular phenotype. Last evaluated: 2025-08-12. Review status: criteria provided, single submitter. Criteria: Ambry Variant Classification Scheme 2023. Collection method: clinical testing. Allele origin: germline.
Comment: The p.A552S variant (also known as c.1654G>T), located in coding exon 18 of the MYBPC3 gene, results from a G to T substitution at nucleotide position 1654. The alanine at codon 552 is replaced by serine, an amino acid with similar properties. This amino acid position is highly conserved in available vertebrate species. In addition, this alteration is predicted to be tolerated by in silico analysis. Based on the available evidence, the clinical significance of this variant remains unclear.

Laboratory for Molecular Medicine, Mass General Brigham Personalized Medicine
Classification: Uncertain significance. Last evaluated: 2019-04-04. Review status: criteria provided, single submitter. Criteria: ACMG Guidelines, 2015. Collection method: clinical testing. Allele origin: germline.
Comment: The p.Ala552Ser variant in MYBPC3 has not been previously reported in individuals with cardiomyopathy and was absent from large population studies. Computational analyses (amino acid biochemical properties, conservation, AlignGVGD, PolyPhen2, and SIFT) suggest that this variant may impact the protein, though this information is not predictive enough to determine pathogenicity. Additional information is needed to fully assess the clinical significance of this variant.

GeneDx
Classification: Likely pathogenic. Last evaluated: 2011-07-01. Review status: criteria provided, single submitter. Criteria: GeneDx Variant Classification (06012015). Collection method: clinical testing. Allele origin: germline. Affected: yes.
Comment: This variant is denoted Ala552Ser (aka A552S) at the protein level and c.1654 G>T at the cDNA level. The Ala552Ser variant in the MYBPC3 gene has not been reported as a disease-causing mutation, nor is it a known benign polymorphism to our knowledge. Ala552Ser results in a non-conservative amino acid substitution of a non-polar, hydrophobic Alanine residue with a polar Serine residue at a position that is conserved across species throughout evolution. In silico analysis predicts that Ala552Ser is possibly damaging to the structure/function of the protein and disease causing. A mutation affecting a nearby residue (Met555Thr) has been reported in association with HCM, further supporting the functional importance of this region of the protein. Furthermore, Ala552Ser was not detected in up to 600 alleles from control individuals of Caucasian and African American ancestry, indicating it is not a common benign variant in those populations. However, we cannot rule out that this change may be a benign variant. In summary, with the clinical and molecular information available at this time, we cannot definitively determine the clinical significance of the Ala552Ser variant, although evidence suggests it may be disease-causing. The variant is found in DCM panel(s).